The following is an entry in ClinVar:

NM_002519.3(NPAT):c.138T>G (p.Phe46Leu)

Gene: NPAT (nuclear protein, coactivator of histone transcription; minus strand). Cytogenetic location: 11q22.3.
Variant type: single nucleotide variant.
Coding change: c.138T>G on transcript NM_002519.3 (MANE Select); coding-DNA position 138, T replaced by G.
Protein change: p.Phe46Leu; replaces phenylalanine 46 with leucine.
Molecular consequence: missense variant.
Genome position (GRCh38, 1-based): chr11:108,197,320, A>C on the plus strand (T>G on the coding strand, the complement: NPAT is on the minus strand). VCF-style: chr11-108197320-A-C. GRCh37 (hg19) VCF-style: chr11-108068047-A-C.
Other names: c.138T>G, p.Phe46Leu (NM_001321307.1); short protein forms F46L.
Identifiers: ClinVar variation 2992964 (VCV002992964.3), dbSNP rs765977026, ClinGen allele CA6264418.

ClinVar aggregate classification (germline): Uncertain significance (1 of 4 stars; one submission).

Allele frequency attached by ClinVar (database versions not stated): TOPMed 0.00001; ExAC 0.00002; gnomAD 0.00002; gnomAD exomes 0.00004.
gnomAD v4.1: 57 of 1,603,786 alleles (0.0036%); highest among the groups gnomAD compares: Non-Finnish European, 0.0045%; no homozygotes.

Submission:

Labcorp Genetics (formerly Invitae), Labcorp
Classification: Uncertain significance. Last evaluated: 2023-01-29. Review status: criteria provided, single submitter. Criteria: Invitae Variant Classification Sherloc (09022015). Collection method: clinical testing. Allele origin: germline.
Comment: In summary, the available evidence is currently insufficient to determine the role of this variant in disease. Therefore, it has been classified as a Variant of Uncertain Significance. Algorithms developed to predict the effect of missense changes on protein structure and function are either unavailable or do not agree on the potential impact of this missense change (SIFT: "Deleterious"; PolyPhen-2: "Benign"; Align-GVGD: "Class C0"). This variant has not been reported in the literature in individuals affected with NPAT-related conditions. This variant is present in population databases (rs765977026, gnomAD 0.01%). This sequence change replaces phenylalanine, which is neutral and non-polar, with leucine, which is neutral and non-polar, at codon 46 of the NPAT protein (p.Phe46Leu).